The following is an entry in ClinVar:

NM_001286577.2(C2CD3):c.6320G>A (p.Arg2107Lys)

Gene: C2CD3 (C2 domain containing 3 centriole elongation regulator; minus strand). Cytogenetic location: 11q13.4.
Variant type: single nucleotide variant.
Coding change: c.6320G>A on transcript NM_001286577.2 (MANE Select); coding-DNA position 6320, G replaced by A.
Protein change: p.Arg2107Lys; replaces arginine 2107 with lysine.
Molecular consequence: missense variant.
Genome position (GRCh38, 1-based): chr11:74,033,840, C>T on the plus strand (G>A on the coding strand, the complement: C2CD3 is on the minus strand). VCF-style: chr11-74033840-C-T. GRCh37 (hg19) VCF-style: chr11-73744885-C-T.
Other names: short protein forms R2107K.
Identifiers: ClinVar variation 2036500 (VCV002036500.4), dbSNP rs2496201696, ClinGen allele CA381820695.

ClinVar aggregate classification (germline): Uncertain significance (1 of 4 stars; one submission).

gnomAD v4.1: 2 of 1,536,186 alleles (0.00013%); highest among the groups gnomAD compares: African/African-American, 0.0014%; no homozygotes.

Submission:

Labcorp Genetics (formerly Invitae), Labcorp
Classification: Uncertain significance. Last evaluated: 2022-10-21. Review status: criteria provided, single submitter. Criteria: Invitae Variant Classification Sherloc (09022015). Collection method: clinical testing. Allele origin: germline.
Comment: This sequence change replaces arginine, which is basic and polar, with lysine, which is basic and polar, at codon 2107 of the C2CD3 protein (p.Arg2107Lys). In summary, the available evidence is currently insufficient to determine the role of this variant in disease. Therefore, it has been classified as a Variant of Uncertain Significance. Experimental studies and prediction algorithms are not available or were not evaluated, and the functional significance of this variant is currently unknown. This variant has not been reported in the literature in individuals affected with C2CD3-related conditions. This variant is not present in population databases (gnomAD no frequency). The C2CD3 gene has multiple clinically relevant transcripts. This variant occurs in alternate transcript NM_001286577.1, and corresponds to NM_015531.5:c.*758G>A in the primary transcript.